The following is an entry in ClinVar:

ClinVar aggregate classification (germline): Uncertain significance (1 of 4 stars; one submission).

Conditions:
Myopathy, proximal, and ophthalmoplegia (CMYO6). Also called: MYOPATHY WITH CONGENITAL JOINT CONTRACTURES, OPHTHALMOPLEGIA, AND RIMMED VACUOLES; INCLUSION BODY MYOPATHY 3, AUTOSOMAL DOMINANT; CONGENITAL MYOPATHY 6 WITH OPHTHALMOPLEGIA. Identifiers: Orphanet 363677, Orphanet 79091, MedGen C1854106, MONDO:0011577, OMIM 605637.

Submission:

Labcorp Genetics (formerly Invitae), Labcorp
Classification: Uncertain significance for Myopathy, proximal, and ophthalmoplegia. Last evaluated: 2022-07-19. Review status: criteria provided, single submitter. Criteria: Invitae Variant Classification Sherloc (09022015). Collection method: clinical testing. Allele origin: germline.
Comment: In summary, the available evidence is currently insufficient to determine the role of this variant in disease. Therefore, it has been classified as a Variant of Uncertain Significance. Algorithms developed to predict the effect of sequence changes on RNA splicing suggest that this variant may create or strengthen a splice site. ClinVar contains an entry for this variant (Variation ID: 1422795). This variant has not been reported in the literature in individuals affected with MYH2-related conditions. This variant is not present in population databases (gnomAD no frequency). This sequence change falls in intron 31 of the MYH2 gene. It does not directly change the encoded amino acid sequence of the MYH2 protein.

NM_017534.6(MYH2):c.4372-11del

Genes: MYH2 (myosin heavy chain 2; minus strand), MYHAS (myosin heavy chain gene cluster antisense RNA; plus strand), LOC126862500 (BRD4-independent group 4 enhancer GRCh37_chr17:10427829-10429028; plus strand). Cytogenetic location: 17p13.1.
Variant type: Deletion.
Coding change: c.4372-11del on transcript NM_017534.6 (MANE Select); 11 bases into the intron before coding-DNA position 4372, one base deleted (T; older notation c.4372-11delT).
Molecular consequence: intron variant.
Genome position (GRCh38, 1-based): chr17:10,525,627, A deleted on the plus strand (T on the coding strand, the reverse complement: MYH2 is on the minus strand); the first of 2 consecutive A bases (chr17:10,525,627-10,525,628); deleting either gives the same sequence. VCF-style (leftmost placement, unchanged base first): chr17-10525626-CA-C. GRCh37 (hg19) VCF-style: chr17-10428943-CA-C.
Other names: c.4372-11del (NM_001100112.2).
Identifiers: ClinVar variation 1422795 (VCV001422795.6), dbSNP rs2073341840, ClinGen allele CA2247276697.